The following is an entry in ClinVar:

ClinVar aggregate classification (germline): Uncertain significance. Review status: criteria provided, multiple submitters, no conflicts (2 of 4 stars). 2 submissions from 2 submitters: Uncertain significance (2). Last evaluated 2025-10-15.

Conditions:
Gorlin syndrome. Also called: Nevoid Basal Cell Carcinoma Syndrome; Basal cell nevus syndrome. Identifiers: Orphanet 377, MedGen C0004779, MONDO:0007187.
Hereditary cancer-predisposing syndrome. Also called: Neoplastic Syndromes, Hereditary; Hereditary Cancer Syndrome; Hereditary neoplastic syndrome; Tumor predisposition. Identifiers: Orphanet 140162, MedGen C0027672, MeSH D009386, MONDO:0015356.

Allele frequency attached by ClinVar (database versions not stated): gnomAD exomes below 0.00001.
gnomAD v4.1: 2 of 1,613,914 alleles (0.00012%); highest among the groups gnomAD compares: Non-Finnish European, 0.00017%; no homozygotes.

Submissions (2):

Ambry Genetics
Classification: Uncertain significance for Hereditary cancer-predisposing syndrome. Last evaluated: 2025-10-15. Review status: criteria provided, single submitter. Criteria: Ambry Variant Classification Scheme 2023. Collection method: clinical testing. Allele origin: germline.
Comment: The p.G1390E variant (also known as c.4169G>A), located in coding exon 23 of the PTCH1 gene, results from a G to A substitution at nucleotide position 4169. The glycine at codon 1390 is replaced by glutamic acid, an amino acid with similar properties. This amino acid position is not well conserved in available vertebrate species. In addition, the in silico prediction for this alteration is inconclusive. Since supporting evidence is limited at this time, the clinical significance of this alteration remains unclear.

Labcorp Genetics (formerly Invitae), Labcorp
Classification: Uncertain significance for Gorlin syndrome. Last evaluated: 2025-09-23. Review status: criteria provided, single submitter. Criteria: Invitae Variant Classification Sherloc (09022015). Collection method: clinical testing. Allele origin: germline.
Comment: This sequence change replaces glycine, which is neutral and non-polar, with glutamic acid, which is acidic and polar, at codon 1390 of the PTCH1 protein (p.Gly1390Glu). This variant is not present in population databases (gnomAD no frequency). This variant has not been reported in the literature in individuals affected with PTCH1-related conditions. ClinVar contains an entry for this variant (Variation ID: 848980). Invitae Evidence Modeling of protein sequence and biophysical properties (such as structural, functional, and spatial information, amino acid conservation, physicochemical variation, residue mobility, and thermodynamic stability) indicates that this missense variant is not expected to disrupt PTCH1 protein function with a negative predictive value of 95%. In summary, the available evidence is currently insufficient to determine the role of this variant in disease. Therefore, it has been classified as a Variant of Uncertain Significance.

NM_000264.5(PTCH1):c.4169G>A (p.Gly1390Glu)

Gene: PTCH1 (patched 1; minus strand). Cytogenetic location: 9q22.32.
Variant type: single nucleotide variant.
Coding change: c.4169G>A on transcript NM_000264.5 (MANE Select); coding-DNA position 4169, G replaced by A.
Protein change: p.Gly1390Glu; replaces glycine 1390 with glutamic acid.
Molecular consequence: missense variant. On other transcripts: non-coding transcript variant (1).
Genome position (GRCh38, 1-based): chr9:95,447,087, C>T on the plus strand (G>A on the coding strand, the complement: PTCH1 is on the minus strand). VCF-style: chr9-95447087-C-T. GRCh37 (hg19) VCF-style: chr9-98209369-C-T.
Other names: c.3971G>A, p.Gly1324Glu (NM_001083602.3); c.4166G>A, p.Gly1389Glu (NM_001083603.3); c.3716G>A, p.Gly1239Glu (NM_001083604.3, NM_001083605.3, NM_001083606.3 and 1 more transcripts); c.4013G>A, p.Gly1338Glu (NM_001354918.2); short protein forms G1324E, G1389E, G1239E, G1338E, G1390E.
Identifiers: ClinVar variation 848980 (VCV000848980.14), dbSNP rs1837985101, ClinGen allele CA374110190.